The following is an entry in ClinVar:

NM_000781.3(CYP11A1):c.809G>A (p.Trp270Ter)

Gene: CYP11A1 (cytochrome P450 family 11 subfamily A member 1; minus strand). Cytogenetic location: 15q24.1.
Variant type: single nucleotide variant.
Coding change: c.809G>A on transcript NM_000781.3 (MANE Select); coding-DNA position 809, G replaced by A.
Protein change: p.Trp270Ter; replaces tryptophan 270 with a stop codon.
Molecular consequence: nonsense.
Genome position (GRCh38, 1-based): chr15:74,343,809, C>T on the plus strand (G>A on the coding strand, the complement: CYP11A1 is on the minus strand). VCF-style: chr15-74343809-C-T. GRCh37 (hg19) VCF-style: chr15-74636150-C-T.
Other names: c.335G>A, p.Trp112Ter (NM_001099773.2); short protein forms W112*, W270*.
Identifiers: ClinVar variation 2820948 (VCV002820948.3), dbSNP rs2548330915, ClinGen allele CA393148812.

ClinVar aggregate classification (germline): Pathogenic. Review status: criteria provided, multiple submitters, no conflicts (2 of 4 stars). 2 submissions from 2 submitters: Pathogenic (2). Last evaluated 2026-01-01.

Conditions:
Congenital adrenal insufficiency with 46, XY sex reversal OR 46,XY disorder of sex development-adrenal insufficiency due to CYP11A1 deficiency. Also called: Congenital adrenal insuffiency with 46, XY sex reversal OR 46,XY disorder of sex development-adrenal insufficiency due to CYP11A1 deficiency; P450scc DEFICIENCY. Identifiers: Orphanet 168558, MedGen C3151055, MONDO:0013400, OMIM 613743.

Submissions (2):

Myriad Genetics, Inc.
Classification: Pathogenic for Congenital adrenal insufficiency with 46, XY sex reversal OR 46,XY disorder of sex development-adrenal insufficiency due to CYP11A1 deficiency. Last evaluated: 2026-01-01. Review status: criteria provided, single submitter. Criteria: Myriad Autosomal Dominant, Autosomal Recessive and X-Linked Classification Criteria (2023). Collection method: clinical testing. Allele origin: unknown.
Comment: NM_000781.2(CYP11A1):c.809G>A(W270*) is expected to be pathogenic in the context of congenital adrenal hyperplasia, CYP11A1-related. This variant is predicted to lead to an abnormal or absent protein product due to the creation of a premature termination codon in CYP11A1, a gene where loss-of-function variants are known to be pathogenic. Please note: this variant was assessed in the context of healthy population screening.

Labcorp Genetics (formerly Invitae), Labcorp
Classification: Pathogenic. Last evaluated: 2022-12-15. Review status: criteria provided, single submitter. Criteria: Invitae Variant Classification Sherloc (09022015). Collection method: clinical testing. Allele origin: germline.
Comment: This variant is not present in population databases (gnomAD no frequency). This sequence change creates a premature translational stop signal (p.Trp270*) in the CYP11A1 gene. It is expected to result in an absent or disrupted protein product. Loss-of-function variants in CYP11A1 are known to be pathogenic (PMID: 15507506, 22435390, 27855232, 229968487). This variant has not been reported in the literature in individuals affected with CYP11A1-related conditions. For these reasons, this variant has been classified as Pathogenic.

Literature cited by the submitters: PubMed 15507506 (cited by Labcorp Genetics (formerly Invitae), Labcorp); PubMed 22435390 (cited by Labcorp Genetics (formerly Invitae), Labcorp); PubMed 27855232 (cited by Labcorp Genetics (formerly Invitae), Labcorp); PubMed 229968487 (cited by Labcorp Genetics (formerly Invitae), Labcorp).